The following is an entry in ClinVar:

ClinVar aggregate classification (germline): Benign/Likely benign. Review status: criteria provided, multiple submitters, no conflicts (2 of 4 stars). 13 submissions from 13 submitters: Benign (8); Likely benign (4). 1 of the submissions does not count toward it. Last evaluated 2026-03-01.

Conditions:
Cardiovascular phenotype. Identifiers: MedGen CN230736.
ANK2-related disorder. Also called: ANK2-related condition.
Long QT syndrome (LQTS). Identifiers: MedGen C0023976, MeSH D008133, MONDO:0002442. Disease mechanism: loss of function. Inheritance: Various modes of inheritance.
Cardiac arrhythmia, ankyrin-B-related. Also called: ANKYRIN-B SYNDROME. Identifiers: Orphanet 101016, Orphanet 768, MedGen C1970119, MONDO:0010958, OMIM 600919.
Primary dilated cardiomyopathy (DCM). Also called: Dilated Cardiomyopathy. Identifiers: Orphanet 217604, MedGen C0007193, MeSH D002311, MONDO:0005021, HP:0001644. Inheritance: Various modes of inheritance.

Allele frequency attached by ClinVar (database versions not stated): gnomAD exomes 0.00031 and 0.00087; ExAC 0.00104; 1000 Genomes Project 30x 0.00250; 1000 Genomes Project 0.00280; gnomAD 0.00318 and 0.00340; TOPMed 0.00386; ESP Exome Variant Server 0.00423.
gnomAD v4.1: 953 of 1,614,114 alleles (0.059%); highest among the groups gnomAD compares: African/African-American, 1.1%; 6 homozygotes.

Submissions (13):

CeGaT Center for Human Genetics Tuebingen
Classification: Likely benign. Last evaluated: 2026-03-01. Review status: criteria provided, single submitter. Criteria: CeGaT Center For Human Genetics Tuebingen Variant Classification Criteria Version 2. Collection method: clinical testing. Allele origin: germline. Affected: yes. Observed: 3 variant alleles.
Comment: ANK2: BS1

Labcorp Genetics (formerly Invitae), Labcorp
Classification: Benign for Long QT syndrome. Last evaluated: 2026-01-27. Review status: criteria provided, single submitter. Criteria: Invitae Variant Classification Sherloc (09022015). Collection method: clinical testing. Allele origin: germline.

Blueprint Genetics
Classification: Likely benign. Last evaluated: 2024-11-21. Review status: criteria provided, single submitter. Criteria: ACMG Guidelines, 2015. Collection method: clinical testing. Allele origin: germline.

ARUP Laboratories, Molecular Genetics and Genomics, ARUP Laboratories
Classification: Benign. Last evaluated: 2022-06-30. Review status: criteria provided, single submitter. Criteria: ARUP Molecular Germline Variant Investigation Process 2021. Collection method: clinical testing. Allele origin: germline.

Genome-Nilou Lab
Classification: Benign for Cardiac arrhythmia, ankyrin-B-related. Last evaluated: 2021-12-05. Review status: criteria provided, single submitter. Criteria: ACMG Guidelines, 2015. Collection method: clinical testing. Allele origin: germline. Affected: no.

Center for Advanced Laboratory Medicine, UC San Diego Health, University of California San Diego
Classification: Benign for Dilated cardiomyopathy. Last evaluated: 2019-05-08. Review status: criteria provided, single submitter. Criteria: ACMG Guidelines, 2015. Collection method: clinical testing. Allele origin: germline. Affected: yes. Observed: 1 variant allele.

Women's Health and Genetics/Laboratory Corporation of America, LabCorp
Classification: Benign. Last evaluated: 2018-09-17. Review status: criteria provided, single submitter. Criteria: LabCorp Variant Classification Summary - May 2015. Collection method: clinical testing. Allele origin: germline.
Comment: Variant summary: ANK2 c.9454A>G (p.Thr3152Ala) results in a non-conservative amino acid change in the encoded protein sequence. Four of five in-silico tools predict a benign effect of the variant on protein function. The variant allele was found at a frequency of 0.0011 in 276106 control chromosomes, predominantly at a frequency of 0.011 within the African subpopulation in the gnomAD database, including 1 homozygotes. The observed variant frequency within African control individuals in the gnomAD database is approximately 1100-fold of the estimated maximal expected allele frequency for a pathogenic variant in ANK2 causing Arrhythmia phenotype (1e-05), strongly suggesting that the variant is a benign polymorphism found primarily in populations of African origin. To our knowledge, no occurrence of c.9454A>G in individuals affected with Arrhythmia and no experimental evidence demonstrating its impact on protein function have been reported. Five clinical diagnostic laboratories have submitted clinical-significance assessments for this variant to ClinVar after 2014 without evidence for independent evaluation. All laboratories classified the variant as benign/likely benign. Based on the evidence outlined above, the variant was classified as benign.

Illumina Laboratory Services, Illumina
Classification: Likely benign for Cardiac arrhythmia, ankyrin-B-related. Last evaluated: 2018-01-13. Review status: criteria provided, single submitter. Criteria: ICSL Variant Classification Criteria 13 December 2019. Collection method: clinical testing. Allele origin: germline.
Comment: This variant was observed in the ICSL laboratory as part of a predisposition screen in an ostensibly healthy population. It had not been previously curated by ICSL or reported in the Human Gene Mutation Database (HGMD: prior to June 1st, 2018), and was therefore a candidate for classification through an automated scoring system. Utilizing variant allele frequency, disease prevalence and penetrance estimates, and inheritance mode, an automated score was calculated to assess if this variant is too frequent to cause the disease. Based on the score and internal cut-off values, a variant classified as likely benign is not then subjected to further curation. The score for this variant resulted in a classification of likely benign for this disease.

GeneDx
Classification: Benign. Last evaluated: 2017-01-13. Review status: criteria provided, single submitter. Criteria: GeneDx Variant Classification (06012015). Collection method: clinical testing. Allele origin: germline. Affected: yes.
Comment: This variant is considered likely benign or benign based on one or more of the following criteria: it is a conservative change, it occurs at a poorly conserved position in the protein, it is predicted to be benign by multiple in silico algorithms, and/or has population frequency not consistent with disease.

Ambry Genetics
Classification: Benign for Cardiovascular phenotype. Last evaluated: 2016-05-25. Review status: criteria provided, single submitter. Criteria: Ambry Variant Classification Scheme 2023. Collection method: clinical testing. Allele origin: germline.

Center for Pediatric Genomic Medicine, Children's Mercy Hospital and Clinics
Classification: Likely benign. Last evaluated: 2016-04-08. Review status: criteria provided, single submitter. Criteria: ACMG Guidelines, 2015. Collection method: clinical testing. Allele origin: germline.
ClinVar note: Converted during submission from Likely Benign to Likely benign.

Biesecker Lab/Clinical Genomics Section, National Institutes of Health
Classification: Benign. Last evaluated: 2013-06-24. Review status: criteria provided, single submitter. Criteria: Ng et al. (Circ Cardiovasc Genet. 2013). Collection method: research. Allele origin: unknown. Observed: 1 variant allele. Study: ClinSeq.
Comment: The study set was not selected for affection status in relation to any cancer. Pathogenicity categories were based on literature curation. See Pubmed ID:23861362 for details.

Medical sequencing

PreventionGenetics, part of Exact Sciences
Classification: Benign for ANK2-related condition. Last evaluated: 2022-03-16. Review status: no assertion criteria provided. Collection method: clinical testing. Allele origin: germline. Not counted in ClinVar's aggregate classification.
Comment: This variant is classified as benign based on ACMG/AMP sequence variant interpretation guidelines (Richards et al. 2015 PMID: 25741868, with internal and published modifications).

NM_001148.6(ANK2):c.9454A>G (p.Thr3152Ala)

Gene: ANK2 (ankyrin 2; plus strand). Cytogenetic location: 4q26.
Variant type: single nucleotide variant.
Coding change: c.9454A>G on transcript NM_001148.6 (MANE Select); coding-DNA position 9454, A replaced by G.
Protein change: p.Thr3152Ala; replaces threonine 3152 with alanine.
Molecular consequence: missense variant. On other transcripts: intron variant (68).
Genome position (GRCh38, 1-based): chr4:113,358,072, A>G. VCF-style: chr4-113358072-A-G. GRCh37 (hg19) VCF-style: chr4-114279228-A-G.
Other names: c.9220A>G, p.Thr3074Ala (NM_001386142.1); c.5854A>G, p.Thr1952Ala (NM_001386166.1); c.9595A>G, p.Thr3199Ala (NM_001386174.1); c.9571A>G, p.Thr3191Ala (NM_001386175.1); c.4412-2751A>G (NM_001386186.2, NM_001386148.2); c.4214-2751A>G (NM_001354269.3); c.4292-2751A>G (NM_001386187.2); c.4253-2751A>G (NM_001386147.1); and 35 more; short protein forms T3152A, T1952A, T3074A, T3191A, T3199A.
Identifiers: ClinVar variation 191562 (VCV000191562.57), dbSNP rs61741040, ClinGen allele CA199896.
Genomic context (GRCh38, chr4:113,358,072, plus strand): 5'-TTCCAAATTGGTCAAGAATCCAGGGAAGAGACTCTCTCTGAAGATGTGAAAGAAGGGGCT[A>G]CTGGGGCTGATCCCCTACCGCTGGAGACATCAGCTGAATCACTAGCACTTTCAGAATCAA-3'
Protein context (NP_001139.3, residues 3142-3162): TLSEDVKEGA[Thr3152Ala]GADPLPLETS